The following is an entry in ClinVar:

NM_001148.6(ANK2):c.8254A>G (p.Thr2752Ala)

Gene: ANK2 (ankyrin 2; plus strand). Cytogenetic location: 4q26.
Variant type: single nucleotide variant.
Coding change: c.8254A>G on transcript NM_001148.6 (MANE Select); coding-DNA position 8254, A replaced by G.
Protein change: p.Thr2752Ala; replaces threonine 2752 with alanine.
Molecular consequence: missense variant. On other transcripts: intron variant (68).
Genome position (GRCh38, 1-based): chr4:113,356,872, A>G. VCF-style: chr4-113356872-A-G. GRCh37 (hg19) VCF-style: chr4-114278028-A-G.
Other names: c.8020A>G, p.Thr2674Ala (NM_001386142.1); c.4654A>G, p.Thr1552Ala (NM_001386166.1); c.8395A>G, p.Thr2799Ala (NM_001386174.1); c.8371A>G, p.Thr2791Ala (NM_001386175.1); c.4412-3951A>G (NM_001386186.2, NM_001386148.2); c.4214-3951A>G (NM_001354269.3); c.4292-3951A>G (NM_001386187.2); c.4253-3951A>G (NM_001386147.1); and 35 more; short protein forms T1552A, T2674A, T2752A, T2791A, T2799A.
Identifiers: ClinVar variation 1021440 (VCV001021440.5), dbSNP rs558793790, ClinGen allele CA3051740.

ClinVar aggregate classification (germline): Uncertain significance (1 of 4 stars; one submission).

Conditions:
Long QT syndrome (LQTS). Identifiers: MedGen C0023976, MeSH D008133, MONDO:0002442. Disease mechanism: loss of function. Inheritance: Various modes of inheritance.

Allele frequency attached by ClinVar (database versions not stated): 1000 Genomes Project 0.00020; gnomAD 0.00001; 1000 Genomes Project 30x 0.00016.
gnomAD v4.1: 10 of 1,614,042 alleles (0.00062%); highest among the groups gnomAD compares: South Asian, 0.011%; no homozygotes.

Submission:

Labcorp Genetics (formerly Invitae), Labcorp
Classification: Uncertain significance for Long QT syndrome. Last evaluated: 2020-11-13. Review status: criteria provided, single submitter. Criteria: Invitae Variant Classification Sherloc (09022015). Collection method: clinical testing. Allele origin: germline.
Comment: This sequence change replaces threonine with alanine at codon 2752 of the ANK2 protein (p.Thr2752Ala). The threonine residue is weakly conserved and there is a small physicochemical difference between threonine and alanine. This variant is present in population databases (rs558793790, ExAC 0.02%). This variant has not been reported in the literature in individuals with ANK2-related conditions. Algorithms developed to predict the effect of missense changes on protein structure and function output the following: SIFT: "Tolerated"; PolyPhen-2: "Benign"; Align-GVGD: "Class C0". The alanine amino acid residue is found in multiple mammalian species, suggesting that this missense change does not adversely affect protein function. These predictions have not been confirmed by published functional studies and their clinical significance is uncertain. In summary, the available evidence is currently insufficient to determine the role of this variant in disease. Therefore, it has been classified as a Variant of Uncertain Significance.